The following is an entry in ClinVar:

ClinVar aggregate classification (germline): Uncertain significance. Review status: criteria provided, multiple submitters, no conflicts (2 of 4 stars). 2 submissions from 2 submitters: Uncertain significance (2). Last evaluated 2025-08-29.

Conditions:
Inborn genetic diseases. Identifiers: MedGen C0950123, MeSH D030342.

gnomAD v4.1: 20 of 1,614,106 alleles (0.0012%); highest among the groups gnomAD compares: East Asian, 0.0022%; no homozygotes.

Submissions (2):

Labcorp Genetics (formerly Invitae), Labcorp
Classification: Uncertain significance. Last evaluated: 2025-08-29. Review status: criteria provided, single submitter. Criteria: Invitae Variant Classification Sherloc (09022015). Collection method: clinical testing. Allele origin: germline.
Comment: This sequence change replaces alanine, which is neutral and non-polar, with threonine, which is neutral and polar, at codon 4207 of the USH2A protein (p.Ala4207Thr). This variant is present in population databases (rs755631233, gnomAD 0.01%). This variant has not been reported in the literature in individuals affected with USH2A-related conditions. ClinVar contains an entry for this variant (Variation ID: 3813970). Invitae Evidence Modeling of protein sequence and biophysical properties (such as structural, functional, and spatial information, amino acid conservation, physicochemical variation, residue mobility, and thermodynamic stability) indicates that this missense variant is not expected to disrupt USH2A protein function with a negative predictive value of 95%. In summary, the available evidence is currently insufficient to determine the role of this variant in disease. Therefore, it has been classified as a Variant of Uncertain Significance.

Ambry Genetics
Classification: Uncertain significance for Inborn genetic diseases. Last evaluated: 2025-01-31. Review status: criteria provided, single submitter. Criteria: Ambry Variant Classification Scheme 2023. Collection method: clinical testing. Allele origin: germline.

NM_206933.4(USH2A):c.12619G>A (p.Ala4207Thr)

Gene: USH2A (usherin; minus strand). Cytogenetic location: 1q41.
Variant type: single nucleotide variant.
Coding change: c.12619G>A on transcript NM_206933.4 (MANE Select); coding-DNA position 12619, G replaced by A.
Protein change: p.Ala4207Thr; replaces alanine 4207 with threonine.
Molecular consequence: missense variant.
Genome position (GRCh38, 1-based): chr1:215,675,292, C>T on the plus strand (G>A on the coding strand, the complement: USH2A is on the minus strand). VCF-style: chr1-215675292-C-T. GRCh37 (hg19) VCF-style: chr1-215848634-C-T.
Other names: short protein forms A4207T.
Identifiers: ClinVar variation 3813970 (VCV003813970.2).